The following is an entry in ClinVar:

ClinVar aggregate classification (germline): Uncertain significance (1 of 4 stars; one submission).

Conditions:
Xeroderma pigmentosum (XP). Identifiers: Orphanet 910, MedGen C0043346, MONDO:0019600.

Allele frequency attached by ClinVar (database versions not stated): gnomAD exomes below 0.00001.
gnomAD v4.1: 1 of 1,614,232 alleles (0.000062%); highest among the groups gnomAD compares: Non-Finnish European, 0.000085%; no homozygotes.

Submission:

Sema4
Classification: Uncertain significance for Xeroderma pigmentosum. Last evaluated: 2021-05-21. Review status: criteria provided, single submitter. Criteria: Sema4 Curation Guidelines. Collection method: curation. Allele origin: germline.
Comment: The DDB2 c.869C>T (p.P290L) variant has not been reported in the literature to our knowledge. It was not observed in the large and broad cohorts of the Genome Aggregation Database (PMID: 32461654), nor has it been reported in ClinVar. In silico tools suggest the impact of the variant on protein function is inconclusive, though these predictions have not been confirmed by functional studies. The evidence is insufficient to meet ACMG/AMP criteria for classifying the variant as benign or pathogenic. Thus, the clinical significance of this variant is currently uncertain.

NM_000107.3(DDB2):c.869C>T (p.Pro290Leu)

Gene: DDB2 (damage specific DNA binding protein 2; plus strand). Cytogenetic location: 11p11.2.
Variant type: single nucleotide variant.
Coding change: c.869C>T on transcript NM_000107.3 (MANE Select); coding-DNA position 869, C replaced by T.
Protein change: p.Pro290Leu; replaces proline 290 with leucine.
Molecular consequence: missense variant. On other transcripts: intron variant (2).
Genome position (GRCh38, 1-based): chr11:47,234,923, C>T. VCF-style: chr11-47234923-C-T. GRCh37 (hg19) VCF-style: chr11-47256474-C-T.
Other names: c.869C>T, p.Pro290Leu (NM_001399874.1, NM_001399875.1); c.677C>T, p.Pro226Leu (NM_001399878.1); c.457-2914C>T (NM_001399876.1, NM_001300734.2); short protein forms P226L, P290L.
Identifiers: ClinVar variation 1692152 (VCV001692152.1), dbSNP rs2135512289, ClinGen allele CA380296438.
Genomic context (GRCh38, chr11:47,234,923, plus strand): 5'-GGGACCTGCGCCAGGTTAGAGGGAAAGCCAGCTTCCTCTACTCGCTGCCGCACAGGCATC[C>T]TGTCAACGCAGGTGTGATATCCCAGACCTCATCTCTCCTGCAGACCCTGCCTGTCTGACC-3'
Protein context (NP_000098.1, residues 280-300): SFLYSLPHRH[Pro290Leu]VNAACFSPDG